The following is an entry in ClinVar:

NM_000787.4(DBH):c.528G>A (p.Pro176=)

Gene: DBH (dopamine beta-hydroxylase; plus strand). Cytogenetic location: 9q34.2.
Variant type: single nucleotide variant.
Coding change: c.528G>A on transcript NM_000787.4 (MANE Select); coding-DNA position 528, G replaced by A.
Protein change: p.Pro176=; no amino-acid change (proline 176 retained).
Molecular consequence: synonymous variant.
Genome position (GRCh38, 1-based): chr9:133,642,248, G>A. VCF-style: chr9-133642248-G-A. GRCh37 (hg19) VCF-style: chr9-136507370-G-A.
Other names: c.528G>A (NM_000787.3).
Identifiers: ClinVar variation 1567248 (VCV001567248.9), dbSNP rs551376703, ClinGen allele CA5313106.

ClinVar aggregate classification (germline): Likely benign. Review status: criteria provided, multiple submitters, no conflicts (2 of 4 stars). 2 submissions from 2 submitters: Likely benign (2). Last evaluated 2026-08-04.

Conditions:
Orthostatic hypotension 1 (ORTHYP1). Also called: Dopamine beta-hydroxylase deficiency; NORADRENALINE DEFICIENCY; NOREPINEPHRINE DEFICIENCY; Orthostatic hypotension 1, due to DBH deficiency. Identifiers: Orphanet 230, MedGen C4746777, MONDO:0009123, OMIM 223360.
DBH-related disorder. Also called: DBH-related condition.

Allele frequency attached by ClinVar (database versions not stated): gnomAD 0.00004 and 0.00005; gnomAD exomes 0.00004; TOPMed 0.00004; ExAC 0.00005; 1000 Genomes Project 0.00020; 1000 Genomes Project 30x 0.00031.
gnomAD v4.1: 61 of 1,613,930 alleles (0.0038%); highest among the groups gnomAD compares: Admixed American, 0.005%; no homozygotes.

Submissions (2):

PreventionGenetics, part of Exact Sciences
Classification: Likely benign for DBH-related condition. Last evaluated: 2026-08-04. Review status: criteria provided, single submitter. Criteria: ACMG Guidelines, 2015. Collection method: clinical testing. Allele origin: germline.
Comment: This variant is classified as likely benign based on ACMG/AMP sequence variant interpretation guidelines (Richards et al. 2015 PMID: 25741868, with internal and published modifications).

Labcorp Genetics (formerly Invitae), Labcorp
Classification: Likely benign for Orthostatic hypotension 1. Last evaluated: 2024-02-03. Review status: criteria provided, single submitter. Criteria: Invitae Variant Classification Sherloc (09022015). Collection method: clinical testing. Allele origin: germline.